The following is an entry in ClinVar:

NM_052872.4(IL17F):c.32T>C (p.Met11Thr)

Gene: IL17F (interleukin 17F; minus strand). Cytogenetic location: 6p12.2.
Variant type: single nucleotide variant.
Coding change: c.32T>C on transcript NM_052872.4 (MANE Select); coding-DNA position 32, T replaced by C.
Protein change: p.Met11Thr; replaces methionine 11 with threonine.
Molecular consequence: missense variant.
Genome position (GRCh38, 1-based): chr6:52,244,398, A>G on the plus strand (T>C on the coding strand, the complement: IL17F is on the minus strand). VCF-style: chr6-52244398-A-G. GRCh37 (hg19) VCF-style: chr6-52109196-A-G.
Other names: short protein forms M11T.
Identifiers: ClinVar variation 4700283 (VCV004700283.1).

ClinVar aggregate classification (germline): Uncertain significance (1 of 4 stars; one submission).

Conditions:
Candidiasis, familial, 6 (CANDF6). Also called: Candidiasis, familial, 6, autosomal dominant. Identifiers: Orphanet 1334, MedGen C3151405, MONDO:0013503, OMIM 613956.

Submission:

Labcorp Genetics (formerly Invitae), Labcorp
Classification: Uncertain significance for Candidiasis, familial, 6. Last evaluated: 2025-07-08. Review status: criteria provided, single submitter. Criteria: Invitae Variant Classification Sherloc (09022015). Collection method: clinical testing. Allele origin: germline.
Comment: This sequence change replaces methionine, which is neutral and non-polar, with threonine, which is neutral and polar, at codon 11 of the IL17F protein (p.Met11Thr). This variant is present in population databases (rs768602093, gnomAD 0.0009%). This variant has not been reported in the literature in individuals affected with IL17F-related conditions. An algorithm developed to predict the effect of missense changes on protein structure and function (PolyPhen-2) suggests that this variant is likely to be tolerated. In summary, the available evidence is currently insufficient to determine the role of this variant in disease. Therefore, it has been classified as a Variant of Uncertain Significance.